The following is an entry in ClinVar:

ClinVar aggregate classification (germline): Uncertain significance (1 of 4 stars; one submission).

gnomAD v4.1: 1 of 1,613,726 alleles (0.000062%); highest among the groups gnomAD compares: Non-Finnish European, 0.000085%; no homozygotes.

Submission:

GeneDx
Classification: Uncertain significance. Last evaluated: 2025-11-19. Review status: criteria provided, single submitter. Criteria: GeneDx Variant Classification Process June 2021. Collection method: clinical testing. Allele origin: germline.
Comment: Not observed at significant frequency in large population cohorts (gnomAD); In silico analysis suggests that this missense variant does not alter protein structure/function; Has not been previously published as pathogenic or benign to our knowledge

NM_015488.5(PNKD):c.470C>A (p.Ser157Tyr)

Genes: CATIP-AS2 (CATIP antisense RNA 2; minus strand), PNKD (PNKD metallo-beta-lactamase domain containing; plus strand). Cytogenetic location: 2q35.
Variant type: single nucleotide variant.
Coding change: c.470C>A on transcript NM_015488.5 (MANE Select); coding-DNA position 470, C replaced by A.
Protein change: p.Ser157Tyr; replaces serine 157 with tyrosine.
Molecular consequence: missense variant.
Genome position (GRCh38, 1-based): chr2:218,340,732, C>A. VCF-style: chr2-218340732-C-A. GRCh37 (hg19) VCF-style: chr2-219205455-C-A.
Other names: c.398C>A, p.Ser133Tyr (NM_022572.5); short protein forms S133Y, S157Y.
Identifiers: ClinVar variation 4077279 (VCV004077279.2).